The following is an entry in ClinVar:

NM_004369.4(COL6A3):c.2339A>G (p.Gln780Arg)

Gene: COL6A3 (collagen type VI alpha 3 chain; minus strand). Cytogenetic location: 2q37.3.
Variant type: single nucleotide variant.
Coding change: c.2339A>G on transcript NM_004369.4 (MANE Select); coding-DNA position 2339, A replaced by G.
Protein change: p.Gln780Arg; replaces glutamine 780 with arginine.
Molecular consequence: missense variant. On other transcripts: intron variant (1).
Genome position (GRCh38, 1-based): chr2:237,378,794, T>C on the plus strand (A>G on the coding strand, the complement: COL6A3 is on the minus strand). VCF-style: chr2-237378794-T-C. GRCh37 (hg19) VCF-style: chr2-238287437-T-C.
Other names: c.1118A>G, p.Gln373Arg (NM_057164.5); c.1721A>G, p.Gln574Arg (NM_057165.5, NM_057167.4); c.677-1450A>G (NM_057166.5); short protein forms Q373R, Q574R, Q780R.
Identifiers: ClinVar variation 1695477 (VCV001695477.2), dbSNP rs2106366752, ClinGen allele CA351213129.

ClinVar aggregate classification (germline): Uncertain significance (1 of 4 stars; one submission).

Submission:

GeneDx
Classification: Uncertain significance. Last evaluated: 2022-01-07. Review status: criteria provided, single submitter. Criteria: GeneDx Variant Classification Process June 2021. Collection method: clinical testing. Allele origin: germline. Affected: yes.
Comment: Not observed at significant frequency in large population cohorts (gnomAD); In silico analysis supports that this missense variant does not alter protein structure/function; Has not been previously published as pathogenic or benign to our knowledge